The following is an entry in ClinVar:

NM_022132.5(MCCC2):c.396G>A (p.Met132Ile)

Gene: MCCC2 (methylcrotonyl-CoA carboxylase subunit 2; plus strand). Cytogenetic location: 5q13.2.
Variant type: single nucleotide variant.
Coding change: c.396G>A on transcript NM_022132.5 (MANE Select); coding-DNA position 396, G replaced by A.
Protein change: p.Met132Ile; replaces methionine 132 with isoleucine.
Molecular consequence: missense variant.
Genome position (GRCh38, 1-based): chr5:71,602,518, G>A. VCF-style: chr5-71602518-G-A. GRCh37 (hg19) VCF-style: chr5-70898345-G-A.
Other names: c.396G>A, p.Met132Ile (NM_001363147.1); short protein forms M132I.
Identifiers: ClinVar variation 2203019 (VCV002203019.1), dbSNP rs763790668, ClinGen allele CA3297770.

ClinVar aggregate classification (germline): Uncertain significance (1 of 4 stars; one submission).

Conditions:
3-methylcrotonyl-CoA carboxylase 2 deficiency. Also called: 3 alpha methylcrotonyl-CoA carboxylase 2 deficiency; 3 alpha methylcrotonylglycinuria 2; MCC 2 deficiency; Methylcrotonylglycinuria type 2; METHYLCROTONYLGLYCINURIA, TYPE II. Identifiers: Orphanet 6, MedGen C1859499, MONDO:0008862, OMIM 210210.

Allele frequency attached by ClinVar (database versions not stated): gnomAD 0.00001; gnomAD exomes 0.00002; ExAC 0.00006.

Submission:

Labcorp Genetics (formerly Invitae), Labcorp
Classification: Uncertain significance for 3-methylcrotonyl-CoA carboxylase 2 deficiency. Last evaluated: 2022-08-31. Review status: criteria provided, single submitter. Criteria: Invitae Variant Classification Sherloc (09022015). Collection method: clinical testing. Allele origin: germline.
Comment: This sequence change replaces methionine, which is neutral and non-polar, with isoleucine, which is neutral and non-polar, at codon 132 of the MCCC2 protein (p.Met132Ile). This variant is present in population databases (rs763790668, gnomAD 0.01%). This variant has not been reported in the literature in individuals affected with MCCC2-related conditions. Advanced modeling of protein sequence and biophysical properties (such as structural, functional, and spatial information, amino acid conservation, physicochemical variation, residue mobility, and thermodynamic stability) performed at Invitae indicates that this missense variant is not expected to disrupt MCCC2 protein function. In summary, the available evidence is currently insufficient to determine the role of this variant in disease. Therefore, it has been classified as a Variant of Uncertain Significance.